The following is an entry in ClinVar:

ClinVar aggregate classification (germline): Uncertain significance. Review status: criteria provided, multiple submitters, no conflicts (2 of 4 stars). 2 submissions from 2 submitters: Uncertain significance (2). Last evaluated 2024-02-27.

Allele frequency attached by ClinVar (database versions not stated): ExAC 0.00004; ESP Exome Variant Server 0.00008.

Submissions (2):

Ambry Genetics
Classification: Uncertain significance. Last evaluated: 2024-02-27. Review status: criteria provided, single submitter. Criteria: Ambry Variant Classification Scheme 2023. Collection method: clinical testing. Allele origin: germline.

Labcorp Genetics (formerly Invitae), Labcorp
Classification: Uncertain significance. Last evaluated: 2023-01-13. Review status: criteria provided, single submitter. Criteria: Invitae Variant Classification Sherloc (09022015). Collection method: clinical testing. Allele origin: germline.
Comment: This sequence change replaces leucine, which is neutral and non-polar, with valine, which is neutral and non-polar, at codon 678 of the ITGAM protein (p.Leu678Val). In summary, the available evidence is currently insufficient to determine the role of this variant in disease. Therefore, it has been classified as a Variant of Uncertain Significance. Algorithms developed to predict the effect of missense changes on protein structure and function (SIFT, PolyPhen-2, Align-GVGD) all suggest that this variant is likely to be disruptive. This variant has not been reported in the literature in individuals affected with ITGAM-related conditions. This variant is present in population databases (rs372413087, gnomAD 0.007%).

NM_000632.4(ITGAM):c.2032C>G (p.Leu678Val)

Gene: ITGAM (integrin subunit alpha M; plus strand). Cytogenetic location: 16p11.2.
Variant type: single nucleotide variant.
Coding change: c.2032C>G on transcript NM_000632.4 (MANE Select); coding-DNA position 2032, C replaced by G.
Protein change: p.Leu678Val; replaces leucine 678 with valine.
Molecular consequence: missense variant.
Genome position (GRCh38, 1-based): chr16:31,324,428, C>G. VCF-style: chr16-31324428-C-G. GRCh37 (hg19) VCF-style: chr16-31335749-C-G.
Other names: c.2035C>G, p.Leu679Val (NM_001145808.2); c.2032C>G (NM_000632.3); short protein forms L679V, L678V.
Identifiers: ClinVar variation 2845457 (VCV002845457.4), dbSNP rs372413087, ClinGen allele CA8025715.